The following is an entry in ClinVar:

NM_004727.3(SLC24A1):c.909_913dup (p.Lys305fs)

Gene: SLC24A1 (solute carrier family 24 member 1; plus strand). Cytogenetic location: 15q22.31.
Variant type: Duplication.
Coding change: c.909_913dup on transcript NM_004727.3 (MANE Select); coding-DNA positions 909 to 913, 5 bases duplicated (CCCGA; older notation c.909_913dupCCCGA).
Protein change: p.Lys305fs; shifts the reading frame from lysine 305.
Molecular consequence: frameshift variant.
Genome position (GRCh38, 1-based): chr15:65,624,989-65,624,993, CCCGA duplicated; duplicating any 5 consecutive bases within chr15:65,624,988-65,624,993 gives the same sequence; the c. name uses the placement nearest the transcript's 3' end. VCF-style (leftmost placement, unchanged base first): chr15-65624987-A-AACCCG. GRCh37 (hg19) VCF-style: chr15-65917325-A-AACCCG.
Other names: c.909_913dup, p.Lys305fs (NM_001301031.1, NM_001301032.1, NM_001301033.2 and 1 more transcripts); short protein forms K305fs.
Identifiers: ClinVar variation 3764677 (VCV003764677.2).
Genomic context (GRCh38, chr15:65,624,987, plus strand): 5'-CCCCCCAGAAGAGTGGAAAGTAACAGCTCAGCCCATCCCTGGGGGTTAGTGGGAAAGAGC[A>AACCCG]ACCCGAAGACTCCCCAGGGAACAGTCCTGTTGCATACCCCAGCCACCTCTGAGGGGCAGG-3'

ClinVar aggregate classification (germline): Likely pathogenic (1 of 4 stars; one submission).

Conditions:
Congenital stationary night blindness 1D. Also called: Night blindness, congenital stationary (complete), 1D, autosomal recessive. Identifiers: Orphanet 215, MedGen C3151193, MONDO:0013450, OMIM 613830.

Submission:

Juno Genomics, Hangzhou Juno Genomics, Inc
Classification: Likely pathogenic for Congenital stationary night blindness 1D. Review status: criteria provided, single submitter. Criteria: ACMG Guidelines, 2015. Collection method: clinical testing. Allele origin: germline. Affected: yes.
Comment: Absent from controls (or at extremely low frequency if recessive) in Genome Aggregation Database, Exome Sequencing Project, 1000 Genomes Project, or Exome Aggregation Consortium.;Null variant in a gene where loss of function (LOF) is a known mechanism of disease.